The following is an entry in ClinVar:

NM_018136.5(ASPM):c.2805T>C (p.Ser935=)

Gene: ASPM (assembly factor for spindle microtubules; minus strand). Cytogenetic location: 1q31.3.
Variant type: single nucleotide variant.
Coding change: c.2805T>C on transcript NM_018136.5 (MANE Select); coding-DNA position 2805, T replaced by C.
Protein change: p.Ser935=; no amino-acid change (serine 935 retained).
Molecular consequence: synonymous variant.
Genome position (GRCh38, 1-based): chr1:197,128,621, A>G on the plus strand (T>C on the coding strand, the complement: ASPM is on the minus strand). VCF-style: chr1-197128621-A-G. GRCh37 (hg19) VCF-style: chr1-197097751-A-G.
Other names: c.2805T>C, p.Ser935= (NM_001206846.2).
Identifiers: ClinVar variation 21567 (VCV000021567.47), dbSNP rs113161395, ClinGen allele CA171192.
Genomic context (GRCh38, chr1:197,128,621, plus strand): 5'-CTGAACATGGTTAACAGGTAATCCCAATAAGCCAAGGTGACGGGAAAGGTCACCTTCACC[A>G]CTTAGGAAATCTCGTGAAAAAGCCAAAAGGATTTCTTTACTAGCCTATAAAGAAATAAGT-3'
Protein context (NP_060606.3, residues 925-945): ILLAFSRDFL[Ser935=]GEGDLSRHLG

ClinVar aggregate classification (germline): Benign. Review status: criteria provided, multiple submitters, no conflicts (2 of 4 stars). 10 submissions from 10 submitters: Benign (8). 2 of the submissions do not count toward it. Last evaluated 2026-05-01.

Conditions:
ASPM-related disorder. Also called: ASPM-related condition.
Microcephaly 5, primary, autosomal recessive (MCPH5). Also called: ASPM Primary Microcephaly. Identifiers: Orphanet 2512, MedGen C1837501, MONDO:0012106, OMIM 608716.

Allele frequency attached by ClinVar (database versions not stated): 1000 Genomes Project 30x 0.00312; 1000 Genomes Project 0.00339; TOPMed 0.00697; ESP Exome Variant Server 0.00961; ExAC 0.01014; gnomAD exomes 0.01043 and 0.01219; gnomAD 0.01058 and 0.01101.
gnomAD v4.1: 19,280 of 1,613,798 alleles (1.2%); highest among the groups gnomAD compares: Non-Finnish European, 1.3%; 161 homozygotes.

Submissions (10):

CeGaT Center for Human Genetics Tuebingen
Classification: Benign. Last evaluated: 2026-05-01. Review status: criteria provided, single submitter. Criteria: CeGaT Center For Human Genetics Tuebingen Variant Classification Criteria Version 2. Collection method: clinical testing. Allele origin: germline. Affected: yes. Observed: 43 variant alleles.
Comment: ASPM: BP4, BP7, BS1, BS2

Labcorp Genetics (formerly Invitae), Labcorp
Classification: Benign. Last evaluated: 2026-01-27. Review status: criteria provided, single submitter. Criteria: Invitae Variant Classification Sherloc (09022015). Collection method: clinical testing. Allele origin: germline.

Athena Diagnostics
Classification: Benign. Last evaluated: 2024-12-06. Review status: criteria provided, single submitter. Criteria: Athena Diagnostics Criteria. Collection method: clinical testing. Allele origin: unknown.
Comment: The frequency of this variant in the general population is higher than would generally be expected for pathogenic variants in this gene.

Genome-Nilou Lab
Classification: Benign for Microcephaly 5, primary, autosomal recessive. Last evaluated: 2023-04-11. Review status: criteria provided, single submitter. Criteria: ACMG Guidelines, 2015. Collection method: clinical testing. Allele origin: germline. Affected: no.

Illumina Laboratory Services, Illumina
Classification: Benign for Microcephaly 5, primary, autosomal recessive. Last evaluated: 2017-04-27. Review status: criteria provided, single submitter. Criteria: ICSL Variant Classification Criteria 13 December 2019. Collection method: clinical testing. Allele origin: germline.
Comment: This variant was observed as part of a predisposition screen in an ostensibly healthy population. A literature search was performed for the gene, cDNA change, and amino acid change (where applicable). No publications were found based on this search. Allele frequency data from public databases was too high to be consistent with this variant causing disease. Therefore, this variant is classified as benign.

GeneDx
Classification: Benign. Last evaluated: 2016-08-24. Review status: criteria provided, single submitter. Criteria: GeneDx Variant Classification (06012015). Collection method: clinical testing. Allele origin: germline. Affected: yes.
Comment: This variant is considered likely benign or benign based on one or more of the following criteria: it is a conservative change, it occurs at a poorly conserved position in the protein, it is predicted to be benign by multiple in silico algorithms, and/or has population frequency not consistent with disease.

Genetic Services Laboratory, University of Chicago
Classification: Benign. Last evaluated: 2013-02-08. Review status: criteria provided, single submitter. Criteria: ACMG Guidelines, 2007. Collection method: clinical testing. Allele origin: germline. Inheritance: Autosomal recessive inheritance.

Breakthrough Genomics
Classification: Benign. Review status: criteria provided, single submitter. Criteria: ACMG Guidelines, 2015. Collection method: not provided. Allele origin: germline. Inheritance: Autosomal recessive inheritance. Affected: yes.

PreventionGenetics, part of Exact Sciences
Classification: Likely benign for ASPM-related condition. Last evaluated: 2019-06-12. Review status: no assertion criteria provided. Collection method: clinical testing. Allele origin: germline. Not counted in ClinVar's aggregate classification.
Comment: This variant is classified as likely benign based on ACMG/AMP sequence variant interpretation guidelines (Richards et al. 2015 PMID: 25741868, with internal and published modifications).

GeneReviews
No classification provided. Condition: Microcephaly 5, primary, autosomal recessive. Review status: no classification provided. Collection method: literature only. Allele origin: unknown. Not counted in ClinVar's aggregate classification.

Literature cited by the submitters: PubMed 20301772 (cited by GeneReviews); NCBI Bookshelf NBK9587 (cited by GeneReviews).